The following is an entry in ClinVar:

NM_001177316.2(SLC34A3):c.1612C>T (p.Arg538Trp)

Gene: SLC34A3 (solute carrier family 34 member 3; plus strand). Cytogenetic location: 9q34.3.
Variant type: single nucleotide variant.
Coding change: c.1612C>T on transcript NM_001177316.2 (MANE Select); coding-DNA position 1612, C replaced by T.
Protein change: p.Arg538Trp; replaces arginine 538 with tryptophan.
Molecular consequence: missense variant.
Genome position (GRCh38, 1-based): chr9:137,236,228, C>T. VCF-style: chr9-137236228-C-T. GRCh37 (hg19) VCF-style: chr9-140130680-C-T.
Other names: c.1612C>T, p.Arg538Trp (NM_001177317.2, NM_080877.3); short protein forms R538W.
Identifiers: ClinVar variation 1406748 (VCV001406748.8), dbSNP rs140319849, ClinGen allele CA5365013.

ClinVar aggregate classification (germline): Uncertain significance. Review status: criteria provided, multiple submitters, no conflicts (2 of 4 stars). 3 submissions from 3 submitters: Uncertain significance (2). 1 of the submissions does not count toward it. Last evaluated 2024-01-24.

Conditions:
Autosomal recessive hypophosphatemic bone disease (HHRH). Also called: HYPERCALCIURIC RICKETS; Hypophosphatemic rickets with hypercalciuria. Identifiers: Orphanet 157215, MedGen C1853271, MONDO:0009431, OMIM 241530.

Allele frequency attached by ClinVar (database versions not stated): ESP Exome Variant Server 0.00008; gnomAD exomes 0.00017; ExAC 0.00019; 1000 Genomes Project 0.00040; 1000 Genomes Project 30x 0.00047.

Submissions (3):

Fulgent Genetics
Classification: Uncertain significance for Autosomal recessive hypophosphatemic bone disease. Last evaluated: 2024-01-24. Review status: criteria provided, single submitter. Criteria: ACMG Guidelines, 2015. Collection method: clinical testing. Allele origin: germline.

Labcorp Genetics (formerly Invitae), Labcorp
Classification: Uncertain significance. Last evaluated: 2022-04-30. Review status: criteria provided, single submitter. Criteria: Invitae Variant Classification Sherloc (09022015). Collection method: clinical testing. Allele origin: germline.
Comment: This sequence change replaces arginine, which is basic and polar, with tryptophan, which is neutral and slightly polar, at codon 538 of the SLC34A3 protein (p.Arg538Trp). This variant is present in population databases (rs140319849, gnomAD 0.2%). This variant has not been reported in the literature in individuals affected with SLC34A3-related conditions. Algorithms developed to predict the effect of missense changes on protein structure and function are either unavailable or do not agree on the potential impact of this missense change (SIFT: "Deleterious"; PolyPhen-2: "Probably Damaging"; Align-GVGD: "Class C0"). In summary, the available evidence is currently insufficient to determine the role of this variant in disease. Therefore, it has been classified as a Variant of Uncertain Significance.

Chinese Inherited Urolithiasis Consortium, The Affiliated Yantai Yuhuangding Hospital of Qingdao University
Classification: Likely pathogenic for Autosomal recessive hypophosphatemic bone disease. Last evaluated: 2024-08-26. Review status: no assertion criteria provided. Collection method: clinical testing. Allele origin: paternal. Affected: yes. Observed: 1 variant allele. Not counted in ClinVar's aggregate classification.